The following is an entry in ClinVar:

NM_006514.4(SCN10A):c.1170C>G (p.Asn390Lys)

Gene: SCN10A (sodium voltage-gated channel alpha subunit 10; minus strand). Cytogenetic location: 3p22.2.
Variant type: single nucleotide variant.
Coding change: c.1170C>G on transcript NM_006514.4 (MANE Select); coding-DNA position 1170, C replaced by G.
Protein change: p.Asn390Lys; replaces asparagine 390 with lysine.
Molecular consequence: missense variant.
Genome position (GRCh38, 1-based): chr3:38,756,794, G>C on the plus strand (C>G on the coding strand, the complement: SCN10A is on the minus strand). VCF-style: chr3-38756794-G-C. GRCh37 (hg19) VCF-style: chr3-38798285-G-C.
Other names: c.1170C>G, p.Asn390Lys (NM_001293306.2, NM_001293307.2); short protein forms N390K.
Identifiers: ClinVar variation 4160540 (VCV004160540.1).

ClinVar aggregate classification (germline): Uncertain significance (1 of 4 stars; one submission).

Conditions:
Cardiovascular phenotype. Identifiers: MedGen CN230736.

Submission:

Ambry Genetics
Classification: Uncertain significance for Cardiovascular phenotype. Last evaluated: 2025-06-28. Review status: criteria provided, single submitter. Criteria: Ambry Variant Classification Scheme 2023. Collection method: clinical testing. Allele origin: germline.
Comment: The p.N390K variant (also known as c.1170C>G), located in coding exon 9 of the SCN10A gene, results from a C to G substitution at nucleotide position 1170. The asparagine at codon 390 is replaced by lysine, an amino acid with similar properties. This amino acid position is conserved. In addition, the in silico prediction for this alteration is inconclusive. Based on the available evidence, the clinical significance of this variant remains unclear.